The following is an entry in ClinVar:

NM_198253.3(TERT):c.10G>C (p.Ala4Pro)

Genes: TERT (telomerase reverse transcriptase; minus strand), LOC110806263 (TERT 5' regulatory region; plus strand). Cytogenetic location: 5p15.33.
Variant type: single nucleotide variant.
Coding change: c.10G>C on transcript NM_198253.3 (MANE Select); coding-DNA position 10, G replaced by C.
Protein change: p.Ala4Pro; replaces alanine 4 with proline.
Molecular consequence: missense variant. On other transcripts: non-coding transcript variant (2).
Genome position (GRCh38, 1-based): chr5:1,294,980, C>G on the plus strand (G>C on the coding strand, the complement: TERT is on the minus strand). VCF-style: chr5-1294980-C-G. GRCh37 (hg19) VCF-style: chr5-1295095-C-G.
Other names: c.10G>C, p.Ala4Pro (NM_001193376.3); short protein forms A4P.
Identifiers: ClinVar variation 659110 (VCV000659110.9), dbSNP rs1579599369, ClinGen allele CA359060066.

ClinVar aggregate classification (germline): Uncertain significance (1 of 4 stars; one submission).

Conditions:
Idiopathic Pulmonary Fibrosis. Also called: Idiopathic fibrosing alveolitis, chronic form; idiopathic fibrosing alveolitis. Identifiers: Orphanet 2032, MedGen C1800706, MeSH D054990, MONDO:0800504.
Dyskeratosis congenita, autosomal dominant 2. Identifiers: MedGen C3151443, MONDO:0013521, OMIM 613989.

gnomAD v4.1: 2 of 1,321,432 alleles (0.00015%); highest among the groups gnomAD compares: Non-Finnish European, 0.00019%; no homozygotes.

Submission:

Labcorp Genetics (formerly Invitae), Labcorp
Classification: Uncertain significance for Dyskeratosis congenita, autosomal dominant 2; Idiopathic Pulmonary Fibrosis. Last evaluated: 2018-08-18. Review status: criteria provided, single submitter. Criteria: Invitae Variant Classification Sherloc (09022015). Collection method: clinical testing. Allele origin: germline.
Comment: This sequence change replaces alanine with proline at codon 4 of the TERT protein (p.Ala4Pro). The alanine residue is weakly conserved and there is a small physicochemical difference between alanine and proline. While this variant is not present in population databases, the frequency information is unreliable, as metrics indicate poor data quality at this position in the ExAC database. This variant has not been reported in the literature in individuals with TERT-related disease. Algorithms developed to predict the effect of missense changes on protein structure and function are either unavailable or do not agree on the potential impact of this missense change (SIFT: "Tolerated"; PolyPhen-2: "Probably Damaging"; Align-GVGD: "Class C0"). In summary, the available evidence is currently insufficient to determine the role of this variant in disease. Therefore, it has been classified as a Variant of Uncertain Significance.